The following is an entry in ClinVar:

ClinVar aggregate classification (germline): Uncertain significance. Review status: criteria provided, multiple submitters, no conflicts (2 of 4 stars). 3 submissions from 3 submitters: Uncertain significance (3). Last evaluated 2024-11-06.

Conditions:
Donnai-Barrow syndrome. Also called: DBS/FOAR SYNDROME; FACIOOCULOACOUSTICORENAL SYNDROME. Identifiers: Orphanet 2143, MedGen C1857277, MONDO:0009104, OMIM 222448.

Allele frequency attached by ClinVar (database versions not stated): ExAC 0.00001; gnomAD exomes 0.00001 and 0.00002.
gnomAD v4.1: 29 of 1,614,022 alleles (0.0018%); highest among the groups gnomAD compares: Non-Finnish European, 0.0025%; no homozygotes.

Submissions (3):

Blueprint Genetics
Classification: Uncertain significance. Last evaluated: 2024-11-06. Review status: criteria provided, single submitter. Criteria: ACMG Guidelines, 2015. Collection method: clinical testing. Allele origin: germline.

Labcorp Genetics (formerly Invitae), Labcorp
Classification: Uncertain significance. Last evaluated: 2024-05-10. Review status: criteria provided, single submitter. Criteria: Invitae Variant Classification Sherloc (09022015). Collection method: clinical testing. Allele origin: germline.
Comment: This sequence change replaces phenylalanine, which is neutral and non-polar, with isoleucine, which is neutral and non-polar, at codon 1356 of the LRP2 protein (p.Phe1356Ile). This variant is present in population databases (rs775393937, gnomAD 0.002%). This variant has not been reported in the literature in individuals affected with LRP2-related conditions. ClinVar contains an entry for this variant (Variation ID: 1502197). Advanced modeling of protein sequence and biophysical properties (such as structural, functional, and spatial information, amino acid conservation, physicochemical variation, residue mobility, and thermodynamic stability) performed at Invitae indicates that this missense variant is not expected to disrupt LRP2 protein function with a negative predictive value of 95%. In summary, the available evidence is currently insufficient to determine the role of this variant in disease. Therefore, it has been classified as a Variant of Uncertain Significance.

Fulgent Genetics
Classification: Uncertain significance for Donnai-Barrow syndrome. Last evaluated: 2021-10-04. Review status: criteria provided, single submitter. Criteria: ACMG Guidelines, 2015. Collection method: clinical testing. Allele origin: unknown.

NM_004525.3(LRP2):c.4066T>A (p.Phe1356Ile)

Gene: LRP2 (LDL receptor related protein 2; minus strand). Cytogenetic location: 2q31.1.
Variant type: single nucleotide variant.
Coding change: c.4066T>A on transcript NM_004525.3 (MANE Select); coding-DNA position 4066, T replaced by A.
Protein change: p.Phe1356Ile; replaces phenylalanine 1356 with isoleucine.
Molecular consequence: missense variant.
Genome position (GRCh38, 1-based): chr2:169,239,755, A>T on the plus strand (T>A on the coding strand, the complement: LRP2 is on the minus strand). VCF-style: chr2-169239755-A-T. GRCh37 (hg19) VCF-style: chr2-170096265-A-T.
Other names: short protein forms F1356I.
Identifiers: ClinVar variation 1502197 (VCV001502197.7), dbSNP rs775393937, ClinGen allele CA1954885.